The following is an entry in ClinVar:

NC_000023.11:g.43973478GGAGAGAGAGAG[3]

Gene: NDP (norrin cystine knot growth factor NDP; minus strand). Cytogenetic location: Xp11.3.
Variant type: Microsatellite.
Genome position: GRCh38 VCF-style: chrX-43973466-A-AGAGAGAGAGAGG. GRCh37 (hg19) VCF-style: chrX-43832712-A-AGAGAGAGAGAGG.
Identifiers: ClinVar variation 2660361 (VCV002660361.23), dbSNP rs1446571051, ClinGen allele CA641648789.

ClinVar aggregate classification (germline): Likely benign. Review status: criteria provided, multiple submitters, no conflicts (2 of 4 stars). 2 submissions from 2 submitters: Likely benign (2). Last evaluated 2024-11-21.

Submissions (2):

Blueprint Genetics
Classification: Likely benign. Last evaluated: 2024-11-21. Review status: criteria provided, single submitter. Criteria: ACMG Guidelines, 2015. Collection method: clinical testing. Allele origin: germline.

CeGaT Center for Human Genetics Tuebingen
Classification: Likely benign. Last evaluated: 2023-12-01. Review status: criteria provided, single submitter. Criteria: CeGaT Center For Human Genetics Tuebingen Variant Classification Criteria Version 2. Collection method: clinical testing. Allele origin: germline. Affected: yes. Observed: 5 variant alleles.
Comment: NDP: BS2